The following is an entry in ClinVar:

ClinVar aggregate classification (germline): Likely benign. Review status: criteria provided, multiple submitters, no conflicts (2 of 4 stars). 3 submissions from 3 submitters: Likely benign (2). 1 of the submissions does not count toward it. Last evaluated 2025-12-29.

Conditions:
Colorectal cancer, susceptibility to, 12 (CRCS12). Also called: COLORECTAL CANCER, SUSCEPTIBILITY TO, ON CHROMOSOME 12q24. Identifiers: Orphanet 220460, MedGen C3554460, MONDO:0014038, OMIM 615083.

Allele frequency attached by ClinVar (database versions not stated): ExAC 0.00001; gnomAD 0.00003 and 0.00004; TOPMed 0.00003; gnomAD exomes 0.00004.
gnomAD v4.1: 61 of 1,613,526 alleles (0.0038%); highest among the groups gnomAD compares: Non-Finnish European, 0.0047%; no homozygotes.

Submissions (3):

Labcorp Genetics (formerly Invitae), Labcorp
Classification: Likely benign. Last evaluated: 2025-12-29. Review status: criteria provided, single submitter. Criteria: Invitae Variant Classification Sherloc (09022015). Collection method: clinical testing. Allele origin: germline.

GeneDx
Classification: Likely benign. Last evaluated: 2015-11-11. Review status: criteria provided, single submitter. Criteria: GeneDx Variant Classification (06012015). Collection method: clinical testing. Allele origin: germline. Affected: yes.
Comment: This variant is considered likely benign or benign based on one or more of the following criteria: it is a conservative change, it occurs at a poorly conserved position in the protein, it is predicted to be benign by multiple in silico algorithms, and/or has population frequency not consistent with disease.

Counsyl
Classification: Likely benign for Colorectal cancer, susceptibility to, 12. Last evaluated: 2017-08-03. Review status: no assertion criteria provided. Collection method: clinical testing. Allele origin: unknown. Not counted in ClinVar's aggregate classification.

NM_006231.4(POLE):c.2174-15C>T

Gene: POLE (DNA polymerase epsilon, catalytic subunit; minus strand). Cytogenetic location: 12q24.33.
Variant type: single nucleotide variant.
Coding change: c.2174-15C>T on transcript NM_006231.4 (MANE Select); 15 bases into the intron before coding-DNA position 2174, C replaced by T.
Molecular consequence: intron variant.
Genome position (GRCh38, 1-based): chr12:132,667,663, G>A on the plus strand (C>T on the coding strand, the complement: POLE is on the minus strand). VCF-style: chr12-132667663-G-A. GRCh37 (hg19) VCF-style: chr12-133244249-G-A.
Identifiers: ClinVar variation 381466 (VCV000381466.9), dbSNP rs750771177, ClinGen allele CA6893641.
Genomic context (GRCh38, chr12:132,667,663, plus strand): 5'-TCCACCTTGGTGATGTGGATCTTCTTGTAGGCTTTCCGGCAGTAATCTAAGCACGACGGA[G>A]ATGGGCAGAGCAGGTGGGTGAGATCTCCCAGAGCAGAGGGAGCCAGGGCACAGGGGTGCT-3'